The following is an entry in ClinVar:

ClinVar aggregate classification (germline): Uncertain significance (1 of 4 stars; one submission).

Allele frequency attached by ClinVar (database versions not stated): gnomAD exomes below 0.00001; TOPMed below 0.00001.
gnomAD v4.1: 2 of 1,614,232 alleles (0.00012%); highest among the groups gnomAD compares: Non-Finnish European, 0.000085%; no homozygotes.

Submission:

Labcorp Genetics (formerly Invitae), Labcorp
Classification: Uncertain significance. Last evaluated: 2025-07-09. Review status: criteria provided, single submitter. Criteria: Invitae Variant Classification Sherloc (09022015). Collection method: clinical testing. Allele origin: germline.
Comment: This sequence change replaces arginine, which is basic and polar, with serine, which is neutral and polar, at codon 865 of the KCNH1 protein (p.Arg865Ser). This variant is not present in population databases (gnomAD no frequency). This variant has not been reported in the literature in individuals affected with KCNH1-related conditions. ClinVar contains an entry for this variant (Variation ID: 1984215). Invitae Evidence Modeling of protein sequence and biophysical properties (such as structural, functional, and spatial information, amino acid conservation, physicochemical variation, residue mobility, and thermodynamic stability) has been performed for this missense variant. However, the output from this modeling did not meet the statistical confidence thresholds required to predict the impact of this variant on KCNH1 protein function. In summary, the available evidence is currently insufficient to determine the role of this variant in disease. Therefore, it has been classified as a Variant of Uncertain Significance.

NM_172362.3(KCNH1):c.2595G>T (p.Arg865Ser)

Gene: KCNH1 (potassium voltage-gated channel subfamily H member 1; minus strand). Cytogenetic location: 1q32.2.
Variant type: single nucleotide variant.
Coding change: c.2595G>T on transcript NM_172362.3 (MANE Select); coding-DNA position 2595, G replaced by T.
Protein change: p.Arg865Ser; replaces arginine 865 with serine.
Molecular consequence: missense variant.
Genome position (GRCh38, 1-based): chr1:210,683,656, C>A on the plus strand (G>T on the coding strand, the complement: KCNH1 is on the minus strand). VCF-style: chr1-210683656-C-A. GRCh37 (hg19) VCF-style: chr1-210856998-C-A.
Other names: c.2514G>T, p.Arg838Ser (NM_002238.4); short protein forms R865S, R838S.
Identifiers: ClinVar variation 1984215 (VCV001984215.4), dbSNP rs1345202329, ClinGen allele CA344870841.